The following is an entry in ClinVar:

ClinVar aggregate classification (germline): Conflicting classifications of pathogenicity. Review status: criteria provided, conflicting classifications (1 of 4 stars). 4 submissions from 4 submitters: Uncertain significance (1); Likely benign (2). 1 of the submissions does not count toward it. Last evaluated 2024-02-27.

Conditions:
Acute infantile liver failure due to synthesis defect of mtDNA-encoded proteins. Also called: LIVER FAILURE, INFANTILE, TRANSIENT; Liver failure acute infantile; TRMU Deficiency. Identifiers: Orphanet 217371, MedGen C3278664, MONDO:0013111, OMIM 613070.

Allele frequency attached by ClinVar (database versions not stated): ExAC 0.00003; gnomAD exomes 0.00004; gnomAD 0.00006 and 0.00007; TOPMed 0.00009; ESP Exome Variant Server 0.00015.
gnomAD v4.1: 76 of 1,613,160 alleles (0.0047%); highest among the groups gnomAD compares: Middle Eastern, 0.016%; no homozygotes.

Submissions (4):

Labcorp Genetics (formerly Invitae), Labcorp
Classification: Likely benign. Last evaluated: 2024-02-27. Review status: criteria provided, single submitter. Criteria: Invitae Variant Classification Sherloc (09022015). Collection method: clinical testing. Allele origin: germline.

GeneDx
Classification: Likely benign. Last evaluated: 2018-04-19. Review status: criteria provided, single submitter. Criteria: GeneDx Variant Classification (06012015). Collection method: clinical testing. Allele origin: germline. Affected: yes.
Comment: This variant is considered likely benign or benign based on one or more of the following criteria: it is a conservative change, it occurs at a poorly conserved position in the protein, it is predicted to be benign by multiple in silico algorithms, and/or has population frequency not consistent with disease.

Illumina Laboratory Services, Illumina
Classification: Uncertain significance for Acute infantile liver failure due to synthesis defect of mtDNA-encoded proteins. Last evaluated: 2018-01-13. Review status: criteria provided, single submitter. Criteria: ICSL Variant Classification Criteria 13 December 2019. Collection method: clinical testing. Allele origin: germline.

Natera, Inc.
Classification: Uncertain significance for Acute infantile liver failure due to synthesis defect of mtDNA-encoded proteins. Last evaluated: 2019-11-11. Review status: no assertion criteria provided. Collection method: clinical testing. Allele origin: germline. Not counted in ClinVar's aggregate classification.

NM_018006.5(TRMU):c.1018+9C>T

Gene: TRMU (tRNA mitochondrial 2-thiouridylase; plus strand). Cytogenetic location: 22q13.31.
Variant type: single nucleotide variant.
Coding change: c.1018+9C>T on transcript NM_018006.5 (MANE Select); 9 bases into the intron after coding-DNA position 1018, C replaced by T.
Molecular consequence: intron variant.
Genome position (GRCh38, 1-based): chr22:46,355,597, C>T. VCF-style: chr22-46355597-C-T. GRCh37 (hg19) VCF-style: chr22-46751494-C-T.
Other names: c.1018+9C>T (NM_001282785.2); c.676+9C>T (NM_001282782.2); c.598+9C>T (NM_001282783.2, NM_001282784.2).
Identifiers: ClinVar variation 342015 (VCV000342015.14), dbSNP rs373346869, ClinGen allele CA10292349.